The following is an entry in ClinVar:

ClinVar aggregate classification (germline): Conflicting classifications of pathogenicity. Review status: criteria provided, conflicting classifications (1 of 4 stars). 4 submissions from 3 submitters: Uncertain significance (3); Benign (1). Last evaluated 2025-08-18.

Conditions:
Distal arthrogryposis type 2B1 (DA2B1). Also called: Arthrogryposis multiplex congenita distal type II with craniofacial abnormalities. Identifiers: Orphanet 1147, MedGen C5193014, MONDO:0020820, OMIM 601680.
Inborn genetic diseases. Identifiers: MedGen C0950123, MeSH D030342.
Freeman-Sheldon syndrome (DA2A). Also called: WHISTLING FACE-WINDMILL VANE HAND SYNDROME; CRANIOCARPOTARSAL DYSPLASIA; CRANIOCARPOTARSAL DYSTROPHY; Arthrogryposis, distal, type 2A (Freeman-Sheldon). Identifiers: Orphanet 2053, MedGen C0265224, MONDO:0008675, OMIM 193700.

Allele frequency attached by ClinVar (database versions not stated): gnomAD exomes 0.00001 and 0.00004; gnomAD 0.00002; ExAC 0.00004; TOPMed 0.00005; ESP Exome Variant Server 0.00008.

Submissions (4):

Labcorp Genetics (formerly Invitae), Labcorp
Classification: Uncertain significance. Last evaluated: 2025-08-18. Review status: criteria provided, single submitter. Criteria: Invitae Variant Classification Sherloc (09022015). Collection method: clinical testing. Allele origin: germline.
Comment: This sequence change replaces arginine, which is basic and polar, with tryptophan, which is neutral and slightly polar, at codon 191 of the MYH3 protein (p.Arg191Trp). This variant is present in population databases (rs368171012, gnomAD 0.02%). This variant has not been reported in the literature in individuals affected with MYH3-related conditions. ClinVar contains an entry for this variant (Variation ID: 889938). Invitae Evidence Modeling of protein sequence and biophysical properties (such as structural, functional, and spatial information, amino acid conservation, physicochemical variation, residue mobility, and thermodynamic stability) indicates that this missense variant is not expected to disrupt MYH3 protein function with a negative predictive value of 95%. In summary, the available evidence is currently insufficient to determine the role of this variant in disease. Therefore, it has been classified as a Variant of Uncertain Significance.

Ambry Genetics
Classification: Uncertain significance for Inborn genetic diseases. Last evaluated: 2025-06-10. Review status: criteria provided, single submitter. Criteria: Ambry Variant Classification Scheme 2023. Collection method: clinical testing. Allele origin: germline.

Illumina Laboratory Services, Illumina
Classification: Benign for Freeman-Sheldon syndrome. Last evaluated: 2018-01-13. Review status: criteria provided, single submitter. Criteria: ICSL Variant Classification Criteria 13 December 2019. Collection method: clinical testing. Allele origin: germline.
Comment: This variant was observed in the ICSL laboratory as part of a predisposition screen in an ostensibly healthy population. It had not been previously curated by ICSL or reported in the Human Gene Mutation Database (HGMD: prior to June 1st, 2018), and was therefore a candidate for classification through an automated scoring system. Utilizing variant allele frequency, disease prevalence and penetrance estimates, and inheritance mode, an automated score was calculated to assess if this variant is too frequent to cause the disease. Based on the score and internal cut-off values, a variant classified as benign is not then subjected to further curation. The score for this variant resulted in a classification of benign for this disease.

Illumina Laboratory Services, Illumina
Classification: Uncertain significance for Distal arthrogryposis type 2B1. Last evaluated: 2018-01-13. Review status: criteria provided, single submitter. Criteria: ICSL Variant Classification Criteria 13 December 2019. Collection method: clinical testing. Allele origin: germline.

NM_002470.4(MYH3):c.571C>T (p.Arg191Trp)

Gene: MYH3 (myosin heavy chain 3; minus strand). Cytogenetic location: 17p13.1.
Variant type: single nucleotide variant.
Coding change: c.571C>T on transcript NM_002470.4 (MANE Select); coding-DNA position 571, C replaced by T.
Protein change: p.Arg191Trp; replaces arginine 191 with tryptophan.
Molecular consequence: missense variant.
Genome position (GRCh38, 1-based): chr17:10,649,648, G>A on the plus strand (C>T on the coding strand, the complement: MYH3 is on the minus strand). VCF-style: chr17-10649648-G-A. GRCh37 (hg19) VCF-style: chr17-10552965-G-A.
Other names: short protein forms R191W.
Identifiers: ClinVar variation 889938 (VCV000889938.10), dbSNP rs368171012, ClinGen allele CA8393218.